The following is an entry in ClinVar:

NC_000002.11:g.(?_44209367)_(44223096_?)del

Gene: LRPPRC (leucine rich pentatricopeptide repeat containing; minus strand). Cytogenetic location: 2p21.
Variant type: Deletion.
Identifiers: ClinVar variation 2427206 (VCV002427206.4).

ClinVar aggregate classification (germline): Pathogenic (1 of 4 stars; one submission).

Submission:

Labcorp Genetics (formerly Invitae), Labcorp
Classification: Pathogenic. Last evaluated: 2022-05-05. Review status: criteria provided, single submitter. Criteria: Invitae Variant Classification Sherloc (09022015). Collection method: clinical testing. Allele origin: germline.
Comment: For these reasons, this variant has been classified as Pathogenic. This variant has not been reported in the literature in individuals affected with LRPPRC-related conditions. This variant is a gross deletion of the genomic region encompassing exon(s) 1-2 of the LRPPRC gene, which includes the initiator codon. This deletion extends beyond the assayed region for this gene and therefore may encompass additional genes. It is expected to result in an absent or disrupted protein product. Loss-of-function variants in LRPPRC are known to be pathogenic (PMID: 26510951).

Literature cited by the submitters: PubMed 26510951.